The following is an entry in ClinVar:

NM_007294.4(BRCA1):c.80+7C>A

Gene: BRCA1 (BRCA1 DNA repair associated; minus strand). Cytogenetic location: 17q21.31.
Variant type: single nucleotide variant.
Coding change: c.80+7C>A on transcript NM_007294.4 (MANE Select); 7 bases into the intron after coding-DNA position 80, C replaced by A.
Molecular consequence: intron variant.
Genome position (GRCh38, 1-based): chr17:43,124,010, G>T on the plus strand (C>A on the coding strand, the complement: BRCA1 is on the minus strand). VCF-style: chr17-43124010-G-T. GRCh37 (hg19) VCF-style: chr17-41276027-G-T.
Other names: IVS2+7C>A; c.80+7C>A (NM_001407597.1, NM_001407582.1, NM_001407623.1 and 192 more transcripts); c.-228+7C>A (NM_001407917.1, NM_001408513.1, NM_001407954.1); c.-181+7C>A (NM_001408462.1, NM_001407838.1, NM_001408410.1 and 22 more transcripts); c.-55+7C>A (NM_001407902.1, NM_001407898.1, NM_001407881.1); c.-109+7C>A (NM_001407956.1, NM_001407897.1, NM_001407947.1 and 46 more transcripts); c.-178+7C>A (NM_001407724.1, NM_001408468.1, NM_001407842.1 and 11 more transcripts); c.-207+7C>A (NM_001407697.1, NM_001407846.1, NM_001407920.1); and 24 more.
Identifiers: ClinVar variation 91665 (VCV000091665.12), dbSNP rs80358098, ClinGen allele CA003891.

ClinVar aggregate classification (germline): Conflicting classifications of pathogenicity. Review status: criteria provided, conflicting classifications (1 of 4 stars). 4 submissions from 4 submitters: Uncertain significance (1); Likely benign (2). 1 of the submissions does not count toward it. Last evaluated 2023-05-01.

Conditions:
Breast-ovarian cancer, familial, susceptibility to, 1 (BROVCA1). Also called: BRCA1 Hereditary Breast and Ovarian Cancer; OVARIAN CANCER, SUSCEPTIBILITY TO. Identifiers: Orphanet 145, MedGen C2676676, MONDO:0011450, OMIM 604370. Disease mechanism: loss of function.
Hereditary breast ovarian cancer syndrome. Also called: Hereditary breast and/or ovarian cancer syndrome; Hereditary breast and ovarian cancer syndrome; Hereditary breast and ovarian cancer; Hereditary breast and ovarian cancer syndrome (HBOC); Breast and ovarian cancer; BRCA1- and BRCA2-Associated Hereditary Breast and Ovarian Cancer. Identifiers: Orphanet 145, MedGen C0677776, MeSH D061325, MONDO:0003582. Disease mechanism: loss of function.

Allele frequency attached by ClinVar (database versions not stated): ExAC 0.00001; TOPMed 0.00001.
gnomAD v4.1: 1 of 1,605,756 alleles (0.000062%); highest among the groups gnomAD compares: Non-Finnish European, 0.000085%; no homozygotes.

Submissions (4):

Quest Diagnostics Nichols Institute San Juan Capistrano
Classification: Uncertain significance. Last evaluated: 2023-05-01. Review status: criteria provided, single submitter. Criteria: Quest Diagnostics criteria. Collection method: clinical testing. Allele origin: unknown.
Comment: To the best of our knowledge, the variant has not been reported in the published literature. The frequency of this variant in the general population, 0.000004 (1/250986 chromosomes), is uninformative in assessment of its pathogenicity. Analysis of this variant using software algorithms for the prediction of the effect of nucleotide changes on BRCA1 mRNA splicing yielded predictions that this variant may result in the gain of a cryptic splice site without affecting the natural splice sites . Based on the available information, we are unable to determine the clinical significance of this variant.

Labcorp Genetics (formerly Invitae), Labcorp
Classification: Likely benign for Hereditary breast ovarian cancer syndrome. Last evaluated: 2022-06-03. Review status: criteria provided, single submitter. Criteria: Invitae Variant Classification Sherloc (09022015). Collection method: clinical testing. Allele origin: germline.

GeneDx
Classification: Likely benign. Last evaluated: 2017-09-13. Review status: criteria provided, single submitter. Criteria: GeneDx Variant Classification (06012015). Collection method: clinical testing. Allele origin: germline. Affected: yes.
Comment: This variant is considered likely benign or benign based on one or more of the following criteria: it is a conservative change, it occurs at a poorly conserved position in the protein, it is predicted to be benign by multiple in silico algorithms, and/or has population frequency not consistent with disease.

Sharing Clinical Reports Project (SCRP)
Classification: Likely benign for Breast-ovarian cancer, familial 1. Last evaluated: 2012-06-07. Review status: no assertion criteria provided. Collection method: clinical testing. Allele origin: germline. Not counted in ClinVar's aggregate classification.